The following is an entry in ClinVar:

ClinVar aggregate classification (germline): Uncertain significance (1 of 4 stars; one submission).

Allele frequency attached by ClinVar (database versions not stated): gnomAD exomes below 0.00001; TOPMed below 0.00001; ExAC 0.00001; gnomAD 0.00001; 1000 Genomes Project 30x 0.00016; 1000 Genomes Project 0.00020.
gnomAD v4.1: 4 of 1,614,214 alleles (0.00025%); highest among the groups gnomAD compares: African/African-American, 0.0053%; no homozygotes.

Submission:

Labcorp Genetics (formerly Invitae), Labcorp
Classification: Uncertain significance. Last evaluated: 2022-01-13. Review status: criteria provided, single submitter. Criteria: Invitae Variant Classification Sherloc (09022015). Collection method: clinical testing. Allele origin: germline.
Comment: In summary, the available evidence is currently insufficient to determine the role of this variant in disease. Therefore, it has been classified as a Variant of Uncertain Significance. Advanced modeling of protein sequence and biophysical properties (such as structural, functional, and spatial information, amino acid conservation, physicochemical variation, residue mobility, and thermodynamic stability) performed at Invitae indicates that this missense variant is not expected to disrupt CNGB1 protein function. This variant has not been reported in the literature in individuals affected with CNGB1-related conditions. This variant is not present in population databases (gnomAD no frequency). This sequence change replaces glutamic acid, which is acidic and polar, with aspartic acid, which is acidic and polar, at codon 47 of the CNGB1 protein (p.Glu47Asp).

NM_001297.5(CNGB1):c.141G>C (p.Glu47Asp)

Gene: CNGB1 (cyclic nucleotide gated channel subunit beta 1; minus strand). Cytogenetic location: 16q21.
Variant type: single nucleotide variant.
Coding change: c.141G>C on transcript NM_001297.5 (MANE Select); coding-DNA position 141, G replaced by C.
Protein change: p.Glu47Asp; replaces glutamic acid 47 with aspartic acid.
Molecular consequence: missense variant.
Genome position (GRCh38, 1-based): chr16:57,967,146, C>G on the plus strand (G>C on the coding strand, the complement: CNGB1 is on the minus strand). VCF-style: chr16-57967146-C-G. GRCh37 (hg19) VCF-style: chr16-58001050-C-G.
Other names: c.141G>C, p.Glu47Asp (NM_001135639.2, NM_001286130.2); short protein forms E47D.
Identifiers: ClinVar variation 1971042 (VCV001971042.5), dbSNP rs201536289, ClinGen allele CA8083996.